The following is an entry in ClinVar:

NM_002017.5(FLI1):c.803C>T (p.Pro268Leu)

Gene: FLI1 (Fli-1 proto-oncogene, ETS transcription factor; plus strand). Cytogenetic location: 11q24.3.
Variant type: single nucleotide variant.
Coding change: c.803C>T on transcript NM_002017.5 (MANE Select); coding-DNA position 803, C replaced by T.
Protein change: p.Pro268Leu; replaces proline 268 with leucine.
Molecular consequence: missense variant.
Genome position (GRCh38, 1-based): chr11:128,809,178, C>T. VCF-style: chr11-128809178-C-T. GRCh37 (hg19) VCF-style: chr11-128679073-C-T.
Other names: c.704C>T, p.Pro235Leu (NM_001167681.3); c.605C>T, p.Pro202Leu (NM_001271010.2); c.224C>T, p.Pro75Leu (NM_001271012.2); c.803C>T (NM_002017.3); short protein forms P75L, P235L, P268L, P202L.
Identifiers: ClinVar variation 1985688 (VCV001985688.6), dbSNP rs751545687, ClinGen allele CA6357254.

ClinVar aggregate classification (germline): Uncertain significance. Review status: criteria provided, multiple submitters, no conflicts (2 of 4 stars). 3 submissions from 3 submitters: Uncertain significance (3). Last evaluated 2025-10-30.

Conditions:
Inborn genetic diseases. Identifiers: MedGen C0950123, MeSH D030342.

Allele frequency attached by ClinVar (database versions not stated): gnomAD 0.00001; TOPMed 0.00001; ExAC 0.00002; gnomAD exomes 0.00002.
gnomAD v4.1: 29 of 1,613,812 alleles (0.0018%); highest among the groups gnomAD compares: East Asian, 0.0022%; no homozygotes.

Submissions (3):

Ambry Genetics
Classification: Uncertain significance for Inborn genetic diseases. Last evaluated: 2025-10-30. Review status: criteria provided, single submitter. Criteria: Ambry Variant Classification Scheme 2023. Collection method: clinical testing. Allele origin: germline.

Blueprint Genetics
Classification: Uncertain significance. Last evaluated: 2024-09-06. Review status: criteria provided, single submitter. Criteria: ACMG Guidelines, 2015. Collection method: clinical testing. Allele origin: germline.

Labcorp Genetics (formerly Invitae), Labcorp
Classification: Uncertain significance. Last evaluated: 2022-09-27. Review status: criteria provided, single submitter. Criteria: Invitae Variant Classification Sherloc (09022015). Collection method: clinical testing. Allele origin: germline.
Comment: This variant has not been reported in the literature in individuals affected with FLI1-related conditions. In summary, the available evidence is currently insufficient to determine the role of this variant in disease. Therefore, it has been classified as a Variant of Uncertain Significance. Advanced modeling of protein sequence and biophysical properties (such as structural, functional, and spatial information, amino acid conservation, physicochemical variation, residue mobility, and thermodynamic stability) performed at Invitae indicates that this missense variant is not expected to disrupt FLI1 protein function. This variant is present in population databases (rs751545687, gnomAD 0.005%). This sequence change replaces proline, which is neutral and non-polar, with leucine, which is neutral and non-polar, at codon 268 of the FLI1 protein (p.Pro268Leu).